The following is an entry in ClinVar:

ClinVar aggregate classification (germline): Uncertain significance (1 of 4 stars; one submission).

Allele frequency attached by ClinVar (database versions not stated): TOPMed 0.00002.
gnomAD v4.1: 7 of 1,545,598 alleles (0.00045%); highest among the groups gnomAD compares: Admixed American, 0.004%; no homozygotes.

Submission:

Labcorp Genetics (formerly Invitae), Labcorp
Classification: Uncertain significance. Last evaluated: 2024-10-16. Review status: criteria provided, single submitter. Criteria: Invitae Variant Classification Sherloc (09022015). Collection method: clinical testing. Allele origin: germline.
Comment: This sequence change replaces arginine, which is basic and polar, with glutamine, which is neutral and polar, at codon 216 of the CPLANE1 protein (p.Arg216Gln). The frequency data for this variant in the population databases is considered unreliable, as metrics indicate poor data quality at this position in the gnomAD database. This variant has not been reported in the literature in individuals affected with CPLANE1-related conditions. ClinVar contains an entry for this variant (Variation ID: 2058327). Invitae Evidence Modeling of protein sequence and biophysical properties (such as structural, functional, and spatial information, amino acid conservation, physicochemical variation, residue mobility, and thermodynamic stability) indicates that this missense variant is not expected to disrupt CPLANE1 protein function with a negative predictive value of 95%. Algorithms developed to predict the effect of sequence changes on RNA splicing suggest that this variant may disrupt the consensus splice site. In summary, the available evidence is currently insufficient to determine the role of this variant in disease. Therefore, it has been classified as a Variant of Uncertain Significance.

NM_001384732.1(CPLANE1):c.647G>A (p.Arg216Gln)

Gene: CPLANE1 (ciliogenesis and planar polarity effector complex subunit 1; minus strand). Cytogenetic location: 5p13.2.
Variant type: single nucleotide variant.
Coding change: c.647G>A on transcript NM_001384732.1 (MANE Select); coding-DNA position 647, G replaced by A.
Protein change: p.Arg216Gln; replaces arginine 216 with glutamine.
Molecular consequence: missense variant.
Genome position (GRCh38, 1-based): chr5:37,243,043, C>T on the plus strand (G>A on the coding strand, the complement: CPLANE1 is on the minus strand). VCF-style: chr5-37243043-C-T. GRCh37 (hg19) VCF-style: chr5-37243145-C-T.
Other names: c.647G>A, p.Arg216Gln (NM_023073.4); short protein forms R216Q.
Identifiers: ClinVar variation 2058327 (VCV002058327.2), dbSNP rs1379533613, ClinGen allele CA359519016.